The following is an entry in ClinVar:

NM_001354473.2(SERTM2):c.176G>A (p.Arg59Gln)

Gene: SERTM2 (serine rich and transmembrane domain containing 2; plus strand). Cytogenetic location: Xq23.
Variant type: single nucleotide variant.
Coding change: c.176G>A on transcript NM_001354473.2 (MANE Select); coding-DNA position 176, G replaced by A.
Protein change: p.Arg59Gln; replaces arginine 59 with glutamine.
Molecular consequence: missense variant.
Genome position (GRCh38, 1-based): chrX:111,519,033, G>A. VCF-style: chrX-111519033-G-A. GRCh37 (hg19) VCF-style: chrX-110762261-G-A.
Other names: short protein forms R59Q.
Identifiers: ClinVar variation 2661208 (VCV002661208.24), dbSNP rs775338663, ClinGen allele CA334429069.

ClinVar aggregate classification (germline): Likely benign (1 of 4 stars; one submission).

Allele frequency attached by ClinVar (database versions not stated): 1000 Genomes Project 30x 0.00021; TOPMed 0.00115; gnomAD 0.00122; gnomAD exomes 0.00184.
gnomAD v4.1: 464 of 295,224 alleles (0.16%); highest among the groups gnomAD compares: Non-Finnish European, 0.24%; 1 homozygote.

Submission:

CeGaT Center for Human Genetics Tuebingen
Classification: Likely benign. Last evaluated: 2023-02-01. Review status: criteria provided, single submitter. Criteria: CeGaT Center For Human Genetics Tuebingen Variant Classification Criteria Version 2. Collection method: clinical testing. Allele origin: germline. Affected: yes. Observed: 1 variant allele.
Comment: SERTM2: BS2